The following is an entry in ClinVar:

ClinVar aggregate classification (germline): Pathogenic/Likely pathogenic. Review status: criteria provided, multiple submitters, no conflicts (2 of 4 stars). 3 submissions from 3 submitters: Pathogenic (2); Likely pathogenic (1). Last evaluated 2024-03-25.

Conditions:
Hyperlipoproteinemia, type I. Also called: Familial hyperlipo-proteinemia type 1; Hyperlipemia essential familial; HYPERLIPOPROTEINEMIA, TYPE IA; LPL DEFICIENCY; Lipoprotein Lipase Deficiency; Lipase D deficiency. Identifiers: Orphanet 309015, Orphanet 444490, MedGen C0023817, MONDO:0009387, OMIM 238600. Disease mechanism: loss of function.
Cardiovascular phenotype. Identifiers: MedGen CN230736.

Allele frequency attached by ClinVar (database versions not stated): gnomAD exomes below 0.00001.
gnomAD v4.1: 2 of 1,614,136 alleles (0.00012%); highest among the groups gnomAD compares: South Asian, 0.0011%; no homozygotes.

Submissions (3):

Genomic Medicine Center of Excellence, King Faisal Specialist Hospital and Research Centre
Classification: Likely pathogenic for Hyperlipoproteinemia, type I. Last evaluated: 2024-03-25. Review status: criteria provided, single submitter. Criteria: ACMG Guidelines, 2015. Collection method: clinical testing. Allele origin: germline.

Labcorp Genetics (formerly Invitae), Labcorp
Classification: Pathogenic. Last evaluated: 2024-02-07. Review status: criteria provided, single submitter. Criteria: Invitae Variant Classification Sherloc (09022015). Collection method: clinical testing. Allele origin: germline.
Comment: This sequence change falls in intron 6 of the LPL gene. It does not directly change the encoded amino acid sequence of the LPL protein. RNA analysis indicates that this variant induces altered splicing and likely disrupts the C-terminus of the protein. This variant is not present in population databases (gnomAD no frequency). This variant has been observed in individual(s) with chylomicronemia (PMID: 7897314). ClinVar contains an entry for this variant (Variation ID: 1457932). Studies have shown that this variant alters LPL gene expression (PMID: 7897314). Variants that disrupt the consensus splice site are a relatively common cause of aberrant splicing (PMID: 17576681, 9536098). Studies have shown that this variant results in skipping of exons 6-9 and introduces a new termination codon (PMID: 7897314). However the mRNA is not expected to undergo nonsense-mediated decay. For these reasons, this variant has been classified as Pathogenic.

Ambry Genetics
Classification: Pathogenic for Cardiovascular phenotype. Last evaluated: 2021-07-23. Review status: criteria provided, single submitter. Criteria: Ambry Variant Classification Scheme 2023. Collection method: clinical testing. Allele origin: germline.
Comment: The c.1019-3C>A intronic pathogenic mutation results from a C to A substitution 3 nucleotides upstream from coding exon 7 in the LPL gene. This alteration has been reported in three individuals with familial chylomicronemia syndrome (FCS), being identified as homozygous in two of the individuals and suspected compound heterozygous with another known pathogenic alteration, p.G215E (c.644G>A), also known as p.G188E, in one of the individuals (H&ouml;lzl B et al. J Lipid Res, 1994 Dec;35:2161-9; Rodrigues R et al. J Clin Lipidol Dec;10:394-409). Additionally, in vitro studies demonstrated that this alteration results in aberrant splicing (H&ouml;lzl B et al. J Lipid Res, 1994 Dec;35:2161-9). This variant is considered to be rare based on population cohorts in the Genome Aggregation Database (gnomAD). In addition, in silico splice site analysis predicts that this alteration will weaken the native splice acceptor site. Based on the supporting evidence, this alteration is interpreted as a disease-causing mutation.

Literature cited by the submitters: PubMed 7897314 (cited by Labcorp Genetics (formerly Invitae), Labcorp and Ambry Genetics); PubMed 17576681 (cited by Labcorp Genetics (formerly Invitae), Labcorp); PubMed 9536098 (cited by Labcorp Genetics (formerly Invitae), Labcorp); PubMed 27055971 (cited by Ambry Genetics).

NM_000237.3(LPL):c.1019-3C>A

Gene: LPL (lipoprotein lipase; plus strand). Cytogenetic location: 8p21.3.
Variant type: single nucleotide variant.
Coding change: c.1019-3C>A on transcript NM_000237.3 (MANE Select); 3 bases into the intron before coding-DNA position 1019, C replaced by A.
Molecular consequence: intron variant.
Genome position (GRCh38, 1-based): chr8:19,959,257, C>A. VCF-style: chr8-19959257-C-A. GRCh37 (hg19) VCF-style: chr8-19816768-C-A.
Identifiers: ClinVar variation 1457932 (VCV001457932.11), dbSNP rs2128839190, ClinGen allele CA2518233524.
Genomic context (GRCh38, chr8:19,959,257, plus strand): 5'-CTATTTGGGGTTGTGATATTTTCATAAAGATTGATCAACATGTTCGAATTTCCTCCCCAA[C>A]AGTCTTCCATTACCAAGTAAAGATTCATTTTTCTGGGACTGAGAGTGAAACCCATACCAA-3'